The following is an entry in ClinVar:

NM_015512.5(DNAH1):c.12605C>T (p.Pro4202Leu)

Gene: DNAH1 (dynein axonemal heavy chain 1; plus strand). Cytogenetic location: 3p21.1.
Variant type: single nucleotide variant.
Coding change: c.12605C>T on transcript NM_015512.5 (MANE Select); coding-DNA position 12605, C replaced by T.
Protein change: p.Pro4202Leu; replaces proline 4202 with leucine.
Molecular consequence: missense variant.
Genome position (GRCh38, 1-based): chr3:52,399,708, C>T. VCF-style: chr3-52399708-C-T. GRCh37 (hg19) VCF-style: chr3-52433724-C-T.
Other names: short protein forms P4202L.
Identifiers: ClinVar variation 1486966 (VCV001486966.8), dbSNP rs2153225921, ClinGen allele CA353088151.

ClinVar aggregate classification (germline): Uncertain significance (1 of 4 stars; one submission).

Conditions:
Spermatogenic failure 18. Identifiers: MedGen C4539783, MONDO:0054615, OMIM 617576.
Ciliary dyskinesia, primary, 37 (CILD37). Also called: CILIARY DYSKINESIA, PRIMARY, 37, WITH OR WITHOUT SITUS INVERSUS. Identifiers: MedGen C4539798, MONDO:0033204, OMIM 617577.

gnomAD v4.1: 1 of 1,614,032 alleles (0.000062%); highest among the groups gnomAD compares: African/African-American, 0.0013%; no homozygotes.

Submission:

Labcorp Genetics (formerly Invitae), Labcorp
Classification: Uncertain significance for Ciliary dyskinesia, primary, 37; Spermatogenic failure 18. Last evaluated: 2020-11-20. Review status: criteria provided, single submitter. Criteria: Invitae Variant Classification Sherloc (09022015). Collection method: clinical testing. Allele origin: germline.
Comment: This sequence change replaces proline with leucine at codon 4202 of the DNAH1 protein (p.Pro4202Leu). The proline residue is highly conserved and there is a moderate physicochemical difference between proline and leucine. This variant is not present in population databases (ExAC no frequency). This variant has not been reported in the literature in individuals with DNAH1-related conditions. Algorithms developed to predict the effect of missense changes on protein structure and function are either unavailable or do not agree on the potential impact of this missense change (SIFT: "Deleterious"; PolyPhen-2: "Probably Damaging"; Align-GVGD: "Class C0"). In summary, the available evidence is currently insufficient to determine the role of this variant in disease. Therefore, it has been classified as a Variant of Uncertain Significance.